The following is an entry in ClinVar:

NM_004275.5(MED20):c.409G>A (p.Gly137Ser)

Genes: BYSL (bystin like; plus strand), MED20 (mediator complex subunit 20; minus strand). Cytogenetic location: 6p21.1.
Variant type: single nucleotide variant.
Coding change: c.409G>A on transcript NM_004275.5 (MANE Select); coding-DNA position 409, G replaced by A.
Protein change: p.Gly137Ser; replaces glycine 137 with serine.
Molecular consequence: missense variant. On other transcripts: intron variant (1).
Genome position (GRCh38, 1-based): chr6:41,909,283, C>T on the plus strand (G>A on the coding strand, the complement: MED20 is on the minus strand). VCF-style: chr6-41909283-C-T. GRCh37 (hg19) VCF-style: chr6-41877021-C-T.
Other names: c.223G>A, p.Gly75Ser (NM_001305455.2, NM_001305456.2); c.347+62G>A (NM_001305457.2); short protein forms G137S, G75S.
Identifiers: ClinVar variation 4711828 (VCV004711828.1).

ClinVar aggregate classification (germline): Uncertain significance (1 of 4 stars; one submission).

Submission:

Labcorp Genetics (formerly Invitae), Labcorp
Classification: Uncertain significance. Last evaluated: 2025-01-29. Review status: criteria provided, single submitter. Criteria: Invitae Variant Classification Sherloc (09022015). Collection method: clinical testing. Allele origin: germline.
Comment: This sequence change replaces glycine, which is neutral and non-polar, with serine, which is neutral and polar, at codon 137 of the MED20 protein (p.Gly137Ser). This variant is not present in population databases (gnomAD no frequency). This variant has not been reported in the literature in individuals affected with MED20-related conditions. An algorithm developed to predict the effect of missense changes on protein structure and function (PolyPhen-2) suggests that this variant is likely to be disruptive. In summary, the available evidence is currently insufficient to determine the role of this variant in disease. Therefore, it has been classified as a Variant of Uncertain Significance.